The following is an entry in ClinVar:

ClinVar aggregate classification (germline): Uncertain significance (1 of 4 stars; one submission).

Submission:

GeneDx
Classification: Uncertain significance. Last evaluated: 2026-02-09. Review status: criteria provided, single submitter. Criteria: GeneDx Variant Classification Process June 2021. Collection method: clinical testing. Allele origin: germline.
Comment: Not observed at significant frequency in large population cohorts (gnomAD); In silico analysis supports that this missense variant has a deleterious effect on protein structure/function; Has not been previously published as pathogenic or benign to our knowledge; Does not affect a cysteine or calcium-binding residue within an EGF-like domain or a TGF-binding protein domain of the FBN1 gene; cysteine substitutions in the EGF-like domains represent the majority of pathogenic missense changes associated with FBN1-related disorders (PMID: 12938084); This variant is associated with the following publications: (PMID: 12938084)

NM_000138.5(FBN1):c.3334A>G (p.Met1112Val)

Gene: FBN1 (fibrillin 1; minus strand). Cytogenetic location: 15q21.1.
Variant type: single nucleotide variant.
Coding change: c.3334A>G on transcript NM_000138.5 (MANE Select); coding-DNA position 3334, A replaced by G.
Protein change: p.Met1112Val; replaces methionine 1112 with valine.
Molecular consequence: missense variant.
Genome position (GRCh38, 1-based): chr15:48,488,116, T>C on the plus strand (A>G on the coding strand, the complement: FBN1 is on the minus strand). VCF-style: chr15-48488116-T-C. GRCh37 (hg19) VCF-style: chr15-48780313-T-C.
Other names: c.3334A>G, p.Met1112Val (NM_001406716.1); short protein forms M1112V.
Identifiers: ClinVar variation 4887854 (VCV004887854.1).